The following is an entry in ClinVar:

ClinVar aggregate classification (germline): Uncertain significance (1 of 4 stars; one submission).

Submission:

CeGaT Center for Human Genetics Tuebingen
Classification: Uncertain significance. Last evaluated: 2023-01-01. Review status: criteria provided, single submitter. Criteria: CeGaT Center For Human Genetics Tuebingen Variant Classification Criteria Version 2. Collection method: clinical testing. Allele origin: germline. Affected: yes. Observed: 1 variant allele.
Comment: PTCHD1: PM2, PP3

NM_173495.3(PTCHD1):c.1496A>G (p.Tyr499Cys)

Gene: PTCHD1 (patched domain containing 1; plus strand). Cytogenetic location: Xp22.11.
Variant type: single nucleotide variant.
Coding change: c.1496A>G on transcript NM_173495.3 (MANE Select); coding-DNA position 1496, A replaced by G.
Protein change: p.Tyr499Cys; replaces tyrosine 499 with cysteine.
Molecular consequence: missense variant.
Genome position (GRCh38, 1-based): chrX:23,393,014, A>G. VCF-style: chrX-23393014-A-G. GRCh37 (hg19) VCF-style: chrX-23411131-A-G.
Other names: short protein forms Y499C.
Identifiers: ClinVar variation 2499123 (VCV002499123.28), dbSNP rs2518766894, ClinGen allele CA412584431.